The following is an entry in ClinVar:

NM_005956.4(MTHFD1):c.1981C>T (p.Pro661Ser)

Gene: MTHFD1 (methylenetetrahydrofolate dehydrogenase, cyclohydrolase and formyltetrahydrofolate synthetase 1; plus strand). Cytogenetic location: 14q23.3.
Variant type: single nucleotide variant.
Coding change: c.1981C>T on transcript NM_005956.4 (MANE Select); coding-DNA position 1981, C replaced by T.
Protein change: p.Pro661Ser; replaces proline 661 with serine.
Molecular consequence: missense variant.
Genome position (GRCh38, 1-based): chr14:64,442,150, C>T. VCF-style: chr14-64442150-C-T. GRCh37 (hg19) VCF-style: chr14-64908868-C-T.
Other names: c.1981C>T, p.Pro661Ser (NM_001364837.1); short protein forms P661S.
Identifiers: ClinVar variation 1043128 (VCV001043128.7), dbSNP rs2078254437, ClinGen allele CA389998852.

ClinVar aggregate classification (germline): Uncertain significance (1 of 4 stars; one submission).

Allele frequency attached by ClinVar (database versions not stated): gnomAD exomes below 0.00001.
gnomAD v4.1: 5 of 1,614,082 alleles (0.00031%); highest among the groups gnomAD compares: South Asian, 0.0011%; no homozygotes.

Submission:

Labcorp Genetics (formerly Invitae), Labcorp
Classification: Uncertain significance. Last evaluated: 2022-07-06. Review status: criteria provided, single submitter. Criteria: Invitae Variant Classification Sherloc (09022015). Collection method: clinical testing. Allele origin: germline.
Comment: This sequence change replaces proline, which is neutral and non-polar, with serine, which is neutral and polar, at codon 661 of the MTHFD1 protein (p.Pro661Ser). This variant is not present in population databases (gnomAD no frequency). This variant has not been reported in the literature in individuals affected with MTHFD1-related conditions. ClinVar contains an entry for this variant (Variation ID: 1043128). Algorithms developed to predict the effect of missense changes on protein structure and function (SIFT, PolyPhen-2, Align-GVGD) all suggest that this variant is likely to be tolerated. In summary, the available evidence is currently insufficient to determine the role of this variant in disease. Therefore, it has been classified as a Variant of Uncertain Significance.